The following is an entry in ClinVar:

ClinVar aggregate classification (germline): Uncertain significance (1 of 4 stars; one submission).

Conditions:
Inborn genetic diseases. Identifiers: MedGen C0950123, MeSH D030342.

Submission:

Ambry Genetics
Classification: Uncertain significance for Inborn genetic diseases. Last evaluated: 2025-10-26. Review status: criteria provided, single submitter. Criteria: Ambry Variant Classification Scheme 2023. Collection method: clinical testing. Allele origin: germline.
Comment: The p.D234E variant (also known as c.702C>G), located in coding exon 1 of the SH2B3 gene, results from a C to G substitution at nucleotide position 702. The aspartic acid at codon 234 is replaced by glutamic acid, an amino acid with highly similar properties. This amino acid position is conserved. In addition, this alteration is predicted to be tolerated by in silico analysis. Based on the available evidence, the clinical significance of this variant remains unclear.

NM_005475.3(SH2B3):c.702C>G (p.Asp234Glu)

Gene: SH2B3 (SH2B adaptor protein 3; plus strand). Cytogenetic location: 12q24.12.
Variant type: single nucleotide variant.
Coding change: c.702C>G on transcript NM_005475.3 (MANE Select); coding-DNA position 702, C replaced by G.
Protein change: p.Asp234Glu; replaces aspartic acid 234 with glutamic acid.
Molecular consequence: missense variant.
Genome position (GRCh38, 1-based): chr12:111,418,847, C>G. VCF-style: chr12-111418847-C-G. GRCh37 (hg19) VCF-style: chr12-111856651-C-G.
Other names: short protein forms D234E.
Identifiers: ClinVar variation 4630734 (VCV004630734.1).